The following is an entry in ClinVar:

NM_006946.4(SPTBN2):c.4684G>A (p.Glu1562Lys)

Gene: SPTBN2 (spectrin beta, non-erythrocytic 2; minus strand). Cytogenetic location: 11q13.2.
Variant type: single nucleotide variant.
Coding change: c.4684G>A on transcript NM_006946.4 (MANE Select); coding-DNA position 4684, G replaced by A.
Protein change: p.Glu1562Lys; replaces glutamic acid 1562 with lysine.
Molecular consequence: missense variant.
Genome position (GRCh38, 1-based): chr11:66,693,356, C>T on the plus strand (G>A on the coding strand, the complement: SPTBN2 is on the minus strand). VCF-style: chr11-66693356-C-T. GRCh37 (hg19) VCF-style: chr11-66460827-C-T.
Other names: c.4705G>A, p.Glu1569Lys (NM_001411025.1); c.4684G>A, p.Glu1562Lys (NM_001437541.1); short protein forms E1562K, E1569K.
Identifiers: ClinVar variation 4995224 (VCV004995224.1).

ClinVar aggregate classification (germline): Uncertain significance (1 of 4 stars; one submission).

Conditions:
SPTBN2-related disorder. Also called: SPTBN2-related condition.

Submission:

PreventionGenetics, part of Exact Sciences
Classification: Uncertain significance for SPTBN2-related condition. Last evaluated: 2026-09-19. Review status: criteria provided, single submitter. Criteria: ACMG Guidelines, 2015. Collection method: clinical testing. Allele origin: germline.
Comment: The SPTBN2 c.4684G>A variant is predicted to result in the amino acid substitution p.Glu1562Lys. To our knowledge, this variant has not been reported in the literature or in a large population database (gnomAD), indicating this variant is rare. At this time, the clinical significance of this variant is uncertain due to the absence of conclusive functional and genetic evidence.